The following is an entry in ClinVar:

ClinVar aggregate classification (germline): Uncertain significance. Review status: criteria provided, multiple submitters, no conflicts (2 of 4 stars). 2 submissions from 2 submitters: Uncertain significance (2). Last evaluated 2026-01-19.

gnomAD v4.1: 1 of 1,613,320 alleles (0.000062%); highest among the groups gnomAD compares: African/African-American, 0.0013%; no homozygotes.

Submissions (2):

Labcorp Genetics (formerly Invitae), Labcorp
Classification: Uncertain significance. Last evaluated: 2026-01-19. Review status: criteria provided, single submitter. Criteria: Invitae Variant Classification Sherloc (09022015). Collection method: clinical testing. Allele origin: germline.
Comment: This sequence change replaces histidine, which is basic and polar, with aspartic acid, which is acidic and polar, at codon 869 of the LARS protein (p.His869Asp). This variant is not present in population databases (gnomAD no frequency). This variant has not been reported in the literature in individuals affected with LARS-related conditions. ClinVar contains an entry for this variant (Variation ID: 3866514). Invitae Evidence Modeling of protein sequence and biophysical properties (such as structural, functional, and spatial information, amino acid conservation, physicochemical variation, residue mobility, and thermodynamic stability) indicates that this missense variant is not expected to disrupt LARS protein function with a negative predictive value of 80%. In summary, the available evidence is currently insufficient to determine the role of this variant in disease. Therefore, it has been classified as a Variant of Uncertain Significance.

Ambry Genetics
Classification: Uncertain significance. Last evaluated: 2025-01-18. Review status: criteria provided, single submitter. Criteria: Ambry Variant Classification Scheme 2023. Collection method: clinical testing. Allele origin: germline.

NM_020117.11(LARS1):c.2605C>G (p.His869Asp)

Gene: LARS1 (leucyl-tRNA synthetase 1; minus strand). Cytogenetic location: 5q32.
Variant type: single nucleotide variant.
Coding change: c.2605C>G on transcript NM_020117.11 (MANE Select); coding-DNA position 2605, C replaced by G.
Protein change: p.His869Asp; replaces histidine 869 with aspartic acid.
Molecular consequence: missense variant.
Genome position (GRCh38, 1-based): chr5:146,130,041, G>C on the plus strand (C>G on the coding strand, the complement: LARS1 is on the minus strand). VCF-style: chr5-146130041-G-C. GRCh37 (hg19) VCF-style: chr5-145509604-G-C.
Other names: c.2467C>G, p.His823Asp (NM_001317964.2); c.2443C>G, p.His815Asp (NM_001317965.2); c.2524C>G, p.His842Asp (NM_016460.4); short protein forms H823D, H842D, H815D, H869D.
Identifiers: ClinVar variation 3866514 (VCV003866514.2).
Genomic context (GRCh38, chr5:146,130,041, plus strand): 5'-CAAAACCACTCGAAACATTTTAAATGCATGAAGGTACCTTTCCCAGGAGTGTCCAGATGT[G>C]CTCACACAAATGTGGACAGAATGGAGCGAGGAGAAGTGTCTGAACTTCAATAAACCGGAA-3'
Protein context (NP_064502.9, residues 859-879): LAPFCPHLCE[His869Asp]IWTLLGKPDS